The following is an entry in ClinVar:

ClinVar aggregate classification (germline): Uncertain significance (1 of 4 stars; one submission).

Conditions:
Hypertrophic cardiomyopathy 26. Also called: Cardiomyopathy, familial hypertrophic, 26. Identifiers: Orphanet 75249, MedGen C4310749, MONDO:0014883, OMIM 617047.
Myofibrillar myopathy 5. Also called: Filaminopathy (type); FILAMINOPATHY, AUTOSOMAL DOMINANT. Identifiers: Orphanet 171445, MedGen C1836050, MONDO:0012289, OMIM 609524.
Distal myopathy with posterior leg and anterior hand involvement. Also called: WILLIAMS DISTAL MYOPATHY. Identifiers: Orphanet 63273, MedGen C3279722, MONDO:0013550, OMIM 614065.

Submission:

Labcorp Genetics (formerly Invitae), Labcorp
Classification: Uncertain significance for Distal myopathy with posterior leg and anterior hand involvement; Myofibrillar myopathy 5; Hypertrophic cardiomyopathy 26. Last evaluated: 2024-12-08. Review status: criteria provided, single submitter. Criteria: Invitae Variant Classification Sherloc (09022015). Collection method: clinical testing. Allele origin: germline.
Comment: This sequence change replaces proline, which is neutral and non-polar, with threonine, which is neutral and polar, at codon 1771 of the FLNC protein (p.Pro1771Thr). This variant is not present in population databases (gnomAD no frequency). This variant has not been reported in the literature in individuals affected with FLNC-related conditions. ClinVar contains an entry for this variant (Variation ID: 2944329). Invitae Evidence Modeling of protein sequence and biophysical properties (such as structural, functional, and spatial information, amino acid conservation, physicochemical variation, residue mobility, and thermodynamic stability) has been performed for this missense variant. However, the output from this modeling did not meet the statistical confidence thresholds required to predict the impact of this variant on FLNC protein function. In summary, the available evidence is currently insufficient to determine the role of this variant in disease. Therefore, it has been classified as a Variant of Uncertain Significance.

NM_001458.5(FLNC):c.5311C>A (p.Pro1771Thr)

Genes: FLNC (filamin C; plus strand), FLNC-AS1 (FLNC antisense RNA 1; minus strand). Cytogenetic location: 7q32.1.
Variant type: single nucleotide variant.
Coding change: c.5311C>A on transcript NM_001458.5 (MANE Select); coding-DNA position 5311, C replaced by A.
Protein change: p.Pro1771Thr; replaces proline 1771 with threonine.
Molecular consequence: missense variant. On other transcripts: non-coding transcript variant (1).
Genome position (GRCh38, 1-based): chr7:128,850,396, C>A. VCF-style: chr7-128850396-C-A. GRCh37 (hg19) VCF-style: chr7-128490450-C-A.
Other names: c.5212C>A, p.Pro1738Thr (NM_001127487.2); short protein forms P1771T, P1738T.
Identifiers: ClinVar variation 2944329 (VCV002944329.3), dbSNP rs200001272, ClinGen allele CA369204942.